The following is an entry in ClinVar:

NM_025074.7(FRAS1):c.7302G>A (p.Pro2434=)

Gene: FRAS1 (Fraser extracellular matrix complex subunit 1; plus strand). Cytogenetic location: 4q21.21.
Variant type: single nucleotide variant.
Coding change: c.7302G>A on transcript NM_025074.7 (MANE Select); coding-DNA position 7302, G replaced by A.
Protein change: p.Pro2434=; no amino-acid change (proline 2434 retained).
Molecular consequence: synonymous variant.
Genome position (GRCh38, 1-based): chr4:78,470,022, G>A. VCF-style: chr4-78470022-G-A. GRCh37 (hg19) VCF-style: chr4-79391176-G-A.
Other names: c.7302G>A (NM_025074.6).
Identifiers: ClinVar variation 1570616 (VCV001570616.10), dbSNP rs377435736, ClinGen allele CA2978054.
Genomic context (GRCh38, chr4:78,470,022, plus strand): 5'-CTGCCCTCCCCTTCAGATTATGACAGCAGCACCTCAGCCGTTCCGAGTAGACATCCTCCC[G>A]GTAGATGATGGCACGCCTAGAATTGTCACCAACCTGGGACTCCAGTGGCTGGAATACATG-3'
Protein context (NP_079350.5, residues 2424-2444): APQPFRVDIL[Pro2434=]VDDGTPRIVT

ClinVar aggregate classification (germline): Likely benign. Review status: criteria provided, single submitter (1 of 4 stars). 2 submissions from 2 submitters: Likely benign (1). 1 of the submissions does not count toward it. Last evaluated 2025-02-06.

Conditions:
FRAS1-related disorder. Also called: FRAS1-related condition.

Allele frequency attached by ClinVar (database versions not stated): gnomAD exomes 0.00003 and 0.00006; ExAC 0.00005; ESP Exome Variant Server 0.00008; TOPMed 0.00019; gnomAD 0.00022 and 0.00024.
gnomAD v4.1: 79 of 1,613,544 alleles (0.0049%); highest among the groups gnomAD compares: African/African-American, 0.067%; no homozygotes.

Submissions (2):

Labcorp Genetics (formerly Invitae), Labcorp
Classification: Likely benign. Last evaluated: 2025-02-06. Review status: criteria provided, single submitter. Criteria: Invitae Variant Classification Sherloc (09022015). Collection method: clinical testing. Allele origin: germline.

PreventionGenetics, part of Exact Sciences
Classification: Likely benign for FRAS1-related condition. Last evaluated: 2022-04-25. Review status: no assertion criteria provided. Collection method: clinical testing. Allele origin: germline. Not counted in ClinVar's aggregate classification.
Comment: This variant is classified as likely benign based on ACMG/AMP sequence variant interpretation guidelines (Richards et al. 2015 PMID: 25741868, with internal and published modifications).